The following is an entry in ClinVar:

ClinVar aggregate classification (germline): Uncertain significance. Review status: criteria provided, multiple submitters, no conflicts (2 of 4 stars). 2 submissions from 2 submitters: Uncertain significance (2). Last evaluated 2025-01-08.

Conditions:
WRN-related disorder. Also called: WRN-related condition.
Werner syndrome (WRN). Identifiers: Orphanet 902, MedGen C0043119, MONDO:0010196, OMIM 277700.

Allele frequency attached by ClinVar (database versions not stated): TOPMed below 0.00001.

Submissions (2):

PreventionGenetics, part of Exact Sciences
Classification: Uncertain significance for WRN-related condition. Last evaluated: 2025-01-08. Review status: criteria provided, single submitter. Criteria: ACMG Guidelines, 2015. Collection method: clinical testing. Allele origin: germline.
Comment: The WRN c.1454G>A variant is predicted to result in the amino acid substitution p.Gly485Asp. To our knowledge, this variant has not been reported in the literature or in a large population database (gnomAD), indicating this variant is rare. This variant has an interpretation of uncertain significance in ClinVar. At this time, the clinical significance of this variant is uncertain due to the absence of conclusive functional and genetic evidence.

Labcorp Genetics (formerly Invitae), Labcorp
Classification: Uncertain significance for Werner syndrome. Last evaluated: 2019-11-04. Review status: criteria provided, single submitter. Criteria: Invitae Variant Classification Sherloc (09022015). Collection method: clinical testing. Allele origin: germline.
Comment: In summary, the available evidence is currently insufficient to determine the role of this variant in disease. Therefore, it has been classified as a Variant of Uncertain Significance. Algorithms developed to predict the effect of missense changes on protein structure and function output the following: SIFT: "Tolerated"; PolyPhen-2: "Benign"; Align-GVGD: "Class C0". The aspartic acid amino acid residue is found in multiple mammalian species, suggesting that this missense change does not adversely affect protein function. These predictions have not been confirmed by published functional studies and their clinical significance is uncertain. This variant has not been reported in the literature in individuals with WRN-related conditions. This variant is not present in population databases (ExAC no frequency). This sequence change replaces glycine with aspartic acid at codon 485 of the WRN protein (p.Gly485Asp). The glycine residue is weakly conserved and there is a moderate physicochemical difference between glycine and aspartic acid.

NM_000553.6(WRN):c.1454G>A (p.Gly485Asp)

Gene: WRN (WRN RecQ like helicase; plus strand). Cytogenetic location: 8p12.
Variant type: single nucleotide variant.
Coding change: c.1454G>A on transcript NM_000553.6 (MANE Select); coding-DNA position 1454, G replaced by A.
Protein change: p.Gly485Asp; replaces glycine 485 with aspartic acid.
Molecular consequence: missense variant.
Genome position (GRCh38, 1-based): chr8:31,087,798, G>A. VCF-style: chr8-31087798-G-A. GRCh37 (hg19) VCF-style: chr8-30945314-G-A.
Other names: short protein forms G485D.
Identifiers: ClinVar variation 971030 (VCV000971030.4), dbSNP rs994487409, ClinGen allele CA174863504.